The following is an entry in ClinVar:

ClinVar aggregate classification (germline): Uncertain significance (1 of 4 stars; one submission).

Submission:

GeneDx
Classification: Uncertain significance. Last evaluated: 2023-03-12. Review status: criteria provided, single submitter. Criteria: GeneDx Variant Classification Process June 2021. Collection method: clinical testing. Allele origin: germline. Affected: yes.
Comment: Not observed at significant frequency in large population cohorts (gnomAD); In silico analysis supports that this missense variant does not alter protein structure/function; Has not been previously published as pathogenic or benign to our knowledge

NM_006950.3(SYN1):c.2043C>T (p.Ser681=)

Gene: SYN1 (synapsin I; minus strand). Cytogenetic location: Xp11.3.
Variant type: single nucleotide variant.
Coding change: c.2043C>T on transcript NM_006950.3 (MANE Select); coding-DNA position 2043, C replaced by T.
Protein change: p.Ser681=; no amino-acid change (serine 681 retained).
Molecular consequence: synonymous variant. On other transcripts: missense variant (1).
Genome position (GRCh38, 1-based): chrX:47,572,939, G>A on the plus strand (C>T on the coding strand, the complement: SYN1 is on the minus strand). VCF-style: chrX-47572939-G-A. GRCh37 (hg19) VCF-style: chrX-47432338-G-A.
Other names: c.2005C>T, p.Pro669Ser (NM_133499.2); short protein forms P669S.
Identifiers: ClinVar variation 2579785 (VCV002579785.1), dbSNP rs917416561, ClinGen allele CA412820523.